The following is an entry in ClinVar:

ClinVar aggregate classification (germline): Uncertain significance (1 of 4 stars; one submission).

Conditions:
Cardiomyopathy (CMYO). Also called: Cardiomyopathies. Identifiers: Orphanet 167848, MedGen C0878544, MONDO:0004994, HP:0001638. Inheritance: Various modes of inheritance.

Submission:

Color Diagnostics, LLC DBA Color Health
Classification: Uncertain significance for Cardiomyopathy. Last evaluated: 2025-06-10. Review status: criteria provided, single submitter. Criteria: ACMG Guidelines, 2015. Collection method: clinical testing. Allele origin: germline.
Comment: This missense variant replaces alanine with proline at codon 32 of the TNNT2 protein. Computational prediction suggests that this variant may not impact protein structure and function. To our knowledge, functional studies have not been reported for this variant. This variant has not been reported in individuals affected with TNNT2-related disorders in the literature. This variant has not been identified in the general population by the Genome Aggregation Database (gnomAD). The available evidence is insufficient to determine the role of this variant in disease conclusively. Therefore, this variant is classified as a Variant of Uncertain Significance.

NM_001276345.2(TNNT2):c.124G>C (p.Ala42Pro)

Gene: TNNT2 (troponin T2, cardiac type; minus strand). Cytogenetic location: 1q32.1.
Variant type: single nucleotide variant.
Coding change: c.124G>C on transcript NM_001276345.2 (MANE Select); coding-DNA position 124, G replaced by C.
Protein change: p.Ala42Pro; replaces alanine 42 with proline.
Molecular consequence: missense variant.
Genome position (GRCh38, 1-based): chr1:201,368,201, C>G on the plus strand (G>C on the coding strand, the complement: TNNT2 is on the minus strand). VCF-style: chr1-201368201-C-G. GRCh37 (hg19) VCF-style: chr1-201337329-C-G.
Other names: c.79G>C, p.Ala27Pro (NM_001406728.1, NM_001001432.3); c.124G>C, p.Ala42Pro (NM_000364.4, NM_001276346.2, NM_001406723.1); c.94G>C, p.Ala32Pro (NM_001001430.3, NM_001001431.3, NM_001276347.2 and 4 more transcripts); short protein forms A27P, A32P, A42P.
Identifiers: ClinVar variation 4757177 (VCV004757177.1).